The following is an entry in ClinVar:

NM_198253.3(TERT):c.262del (p.Leu88fs)

Gene: TERT (telomerase reverse transcriptase; minus strand). Cytogenetic location: 5p15.33.
Variant type: Deletion.
Coding change: c.262del on transcript NM_198253.3 (MANE Select); coding-DNA position 262, one base deleted (C; older notation c.262delC).
Protein change: p.Leu88fs; shifts the reading frame from leucine 88.
Molecular consequence: frameshift variant. On other transcripts: non-coding transcript variant (2).
Genome position (GRCh38, 1-based): chr5:1,294,624, G deleted on the plus strand (C on the coding strand, the reverse complement: TERT is on the minus strand). VCF-style (leftmost placement, unchanged base first): chr5-1294623-AG-A. GRCh37 (hg19) VCF-style: chr5-1294738-AG-A.
Other names: c.262del, p.Leu88fs (NM_001193376.3); short protein forms L88fs.
Identifiers: ClinVar variation 4795041 (VCV004795041.1).

ClinVar aggregate classification (germline): Pathogenic (1 of 4 stars; one submission).

Conditions:
Dyskeratosis congenita, autosomal dominant 2. Identifiers: MedGen C3151443, MONDO:0013521, OMIM 613989.
Idiopathic Pulmonary Fibrosis. Also called: Idiopathic fibrosing alveolitis, chronic form; idiopathic fibrosing alveolitis. Identifiers: Orphanet 2032, MedGen C1800706, MeSH D054990, MONDO:0800504.

Submission:

Labcorp Genetics (formerly Invitae), Labcorp
Classification: Pathogenic for Dyskeratosis congenita, autosomal dominant 2; Idiopathic Pulmonary Fibrosis. Last evaluated: 2025-05-30. Review status: criteria provided, single submitter. Criteria: Invitae Variant Classification Sherloc (09022015). Collection method: clinical testing. Allele origin: germline.
Comment: This sequence change creates a premature translational stop signal (p.Leu88Cysfs*40) in the TERT gene. It is expected to result in an absent or disrupted protein product. Loss-of-function variants in TERT are known to be pathogenic (PMID: 16247010, 17460043). This variant is not present in population databases (gnomAD no frequency). This variant has not been reported in the literature in individuals affected with TERT-related conditions. For these reasons, this variant has been classified as Pathogenic.

Literature cited by the submitters: PubMed 16247010; PubMed 17460043.